The following is an entry in ClinVar:

NM_032808.7(LINGO1):c.879C>T (p.Asn293=)

Gene: LINGO1 (leucine rich repeat and Ig domain containing 1; minus strand). Cytogenetic location: 15q24.3.
Variant type: single nucleotide variant.
Coding change: c.879C>T on transcript NM_032808.7 (MANE Select); coding-DNA position 879, C replaced by T.
Protein change: p.Asn293=; no amino-acid change (asparagine 293 retained).
Molecular consequence: synonymous variant.
Genome position (GRCh38, 1-based): chr15:77,615,028, G>A on the plus strand (C>T on the coding strand, the complement: LINGO1 is on the minus strand). VCF-style: chr15-77615028-G-A. GRCh37 (hg19) VCF-style: chr15-77907370-G-A.
Other names: c.861C>T, p.Asn287= (NM_001301186.2, NM_001301187.2, NM_001301189.2 and 8 more transcripts).
Identifiers: ClinVar variation 3905359 (VCV003905359.10).

ClinVar aggregate classification (germline): Likely benign (1 of 4 stars; one submission).

gnomAD v4.1: 175 of 1,614,046 alleles (0.011%); highest among the groups gnomAD compares: East Asian, 0.3%; no homozygotes.

Submission:

CeGaT Center for Human Genetics Tuebingen
Classification: Likely benign. Last evaluated: 2025-06-01. Review status: criteria provided, single submitter. Criteria: CeGaT Center For Human Genetics Tuebingen Variant Classification Criteria Version 2. Collection method: clinical testing. Allele origin: germline. Affected: yes. Observed: 1 variant allele.
Comment: LINGO1: BP4, BP7